The following is an entry in ClinVar:

ClinVar aggregate classification (germline): Uncertain significance (1 of 4 stars; one submission).

Conditions:
Inborn genetic diseases. Identifiers: MedGen C0950123, MeSH D030342.

Submission:

Ambry Genetics
Classification: Uncertain significance for Inborn genetic diseases. Last evaluated: 2025-04-12. Review status: criteria provided, single submitter. Criteria: Ambry Variant Classification Scheme 2023. Collection method: clinical testing. Allele origin: germline.
Comment: The p.S524G variant (also known as c.1570A>G), located in coding exon 8 of the MECOM gene, results from an A to G substitution at nucleotide position 1570. The serine at codon 524 is replaced by glycine, an amino acid with similar properties. This amino acid position is conserved. In addition, this alteration is predicted to be tolerated by in silico analysis. Based on the available evidence, the clinical significance of this variant remains unclear.

NM_004991.4(MECOM):c.1570A>G (p.Ser524Gly)

Gene: MECOM (MDS1 and EVI1 complex locus; minus strand). Cytogenetic location: 3q26.2.
Variant type: single nucleotide variant.
Coding change: c.1570A>G on transcript NM_004991.4 (MANE Select); coding-DNA position 1570, A replaced by G.
Protein change: p.Ser524Gly; replaces serine 524 with glycine.
Molecular consequence: missense variant. On other transcripts: intron variant (2).
Genome position (GRCh38, 1-based): chr3:169,116,302, T>C on the plus strand (A>G on the coding strand, the complement: MECOM is on the minus strand). VCF-style: chr3-169116302-T-C. GRCh37 (hg19) VCF-style: chr3-168834090-T-C.
Other names: c.1201A>G, p.Ser401Gly (NM_001105077.4); c.1006A>G, p.Ser336Gly (NM_001105078.4, NM_001164000.2, NM_001205194.2 and 4 more transcripts); c.1009A>G, p.Ser337Gly (NM_001163999.2, NM_001366467.2, NM_001366468.2 and 1 more transcripts); c.1570A>G, p.Ser524Gly (NM_001366466.2); c.1133-535A>G (NM_001366473.2); c.569-535A>G (NM_001366474.2); short protein forms S337G, S336G, S401G, S524G.
Identifiers: ClinVar variation 4053177 (VCV004053177.1).
Genomic context (GRCh38, chr3:169,116,302, plus strand): 5'-CCTTCAAAATATCCTGTGTAGCTGGCAGTATCTGAGGATGTGTCATGAGGGGACTTTGAC[T>C]TTTGTTTGTCTGTTCAGTACTTGATAGTCCTTTAACAGGAGAACTAGCAGGTATCAAAGG-3'
Protein context (NP_004982.2, residues 514-534): GLSSTEQTNK[Ser524Gly]QSPLMTHPQI